The following is an entry in ClinVar:

ClinVar aggregate classification (germline): Pathogenic/Likely pathogenic. Review status: criteria provided, multiple submitters, no conflicts (2 of 4 stars). 2 submissions from 2 submitters: Pathogenic (1); Likely pathogenic (1). Last evaluated 2026-01-21.

Conditions:
Niemann-Pick disease, type C1. Also called: NIEMANN-PICK DISEASE, VARIANT TYPE C1; NEUROVISCERAL STORAGE DISEASE WITH VERTICAL SUPRANUCLEAR OPHTHALMOPLEGIA; NIEMANN-PICK DISEASE WITH CHOLESTEROL ESTERIFICATION BLOCK; NIEMANN-PICK DISEASE WITHOUT SPHINGOMYELINASE DEFICIENCY; NIEMANN-PICK DISEASE, CHRONIC NEURONOPATHIC FORM. Identifiers: Orphanet 646, MedGen C3179455, MONDO:0009757, OMIM 257220.

Allele frequency attached by ClinVar (database versions not stated): gnomAD 0.00001.
gnomAD v4.1: 11 of 1,614,042 alleles (0.00068%); highest among the groups gnomAD compares: Non-Finnish European, 0.00076%; no homozygotes.

Submissions (2):

Myriad Genetics, Inc.
Classification: Likely pathogenic for Niemann-Pick disease, type C1. Last evaluated: 2026-01-21. Review status: criteria provided, single submitter. Criteria: Myriad Autosomal Dominant, Autosomal Recessive and X-Linked Classification Criteria (2023). Collection method: clinical testing. Allele origin: unknown.
Comment: NM_000271.4(NPC1):c.1201C>A(P401T) is a missense variant classified as likely pathogenic in the context of Niemann-Pick disease type C1. P401T has been observed in cases with relevant disease (PMID: 11349231, 19744920, 25989649, 26666848, 26981555). Relevant functional assessments of this variant are not available in the literature. P401T has not been observed in referenced population frequency databases. In summary, NM_000271.4(NPC1):c.1201C>A(P401T) is a missense variant that has been observed more frequently in cases with the relevant disease than in healthy populations. Please note: this variant was assessed in the context of healthy population screening.

Labcorp Genetics (formerly Invitae), Labcorp
Classification: Pathogenic for Niemann-Pick disease, type C1. Last evaluated: 2023-10-20. Review status: criteria provided, single submitter. Criteria: Invitae Variant Classification Sherloc (09022015). Collection method: clinical testing. Allele origin: germline.
Comment: This sequence change replaces proline, which is neutral and non-polar, with threonine, which is neutral and polar, at codon 401 of the NPC1 protein (p.Pro401Thr). This variant is not present in population databases (gnomAD no frequency). This missense change has been observed in individual(s) with Niemann-Pick disease type C (PMID: 11349231, 19744920, 26666848). ClinVar contains an entry for this variant (Variation ID: 2138137). Advanced modeling of protein sequence and biophysical properties (such as structural, functional, and spatial information, amino acid conservation, physicochemical variation, residue mobility, and thermodynamic stability) performed at Invitae indicates that this missense variant is expected to disrupt NPC1 protein function. For these reasons, this variant has been classified as Pathogenic.

Literature cited by the submitters: PubMed 11349231 (cited by Myriad Genetics, Inc. and Labcorp Genetics (formerly Invitae), Labcorp); PubMed 19744920 (cited by Myriad Genetics, Inc. and Labcorp Genetics (formerly Invitae), Labcorp); PubMed 25989649 (cited by Myriad Genetics, Inc.); PubMed 26666848 (cited by Myriad Genetics, Inc. and Labcorp Genetics (formerly Invitae), Labcorp); PubMed 26981555 (cited by Myriad Genetics, Inc.).

NM_000271.5(NPC1):c.1201C>A (p.Pro401Thr)

Gene: NPC1 (NPC intracellular cholesterol transporter 1; minus strand). Cytogenetic location: 18q11.2.
Variant type: single nucleotide variant.
Coding change: c.1201C>A on transcript NM_000271.5 (MANE Select); coding-DNA position 1201, C replaced by A.
Protein change: p.Pro401Thr; replaces proline 401 with threonine.
Molecular consequence: missense variant.
Genome position (GRCh38, 1-based): chr18:23,556,368, G>T on the plus strand (C>A on the coding strand, the complement: NPC1 is on the minus strand). VCF-style: chr18-23556368-G-T. GRCh37 (hg19) VCF-style: chr18-21136332-G-T.
Other names: short protein forms P401T.
Identifiers: ClinVar variation 2138137 (VCV002138137.5), dbSNP rs766301620, ClinGen allele CA401777707.